The following is an entry in ClinVar:

ClinVar aggregate classification (germline): Uncertain significance (1 of 4 stars; one submission).

Conditions:
Cornelia de Lange syndrome 3 (CDLS3). Also called: SMC3-Related Cornelia de Lange Syndrome; CORNELIA DE LANGE SYNDROME 3 WITH OR WITHOUT MIDLINE BRAIN DEFECTS. Identifiers: Orphanet 199, MedGen C1853099, MONDO:0012555, OMIM 610759.

Submission:

Labcorp Genetics (formerly Invitae), Labcorp
Classification: Uncertain significance for Cornelia de Lange syndrome 3. Last evaluated: 2024-03-18. Review status: criteria provided, single submitter. Criteria: Invitae Variant Classification Sherloc (09022015). Collection method: clinical testing. Allele origin: germline.
Comment: This sequence change replaces alanine, which is neutral and non-polar, with serine, which is neutral and polar, at codon 1126 of the SMC3 protein (p.Ala1126Ser). This variant is not present in population databases (gnomAD no frequency). This variant has not been reported in the literature in individuals affected with SMC3-related conditions. Advanced modeling of protein sequence and biophysical properties (such as structural, functional, and spatial information, amino acid conservation, physicochemical variation, residue mobility, and thermodynamic stability) performed at Invitae indicates that this missense variant is not expected to disrupt SMC3 protein function with a negative predictive value of 80%. In summary, the available evidence is currently insufficient to determine the role of this variant in disease. Therefore, it has been classified as a Variant of Uncertain Significance.

NM_005445.4(SMC3):c.3376G>T (p.Ala1126Ser)

Gene: SMC3 (structural maintenance of chromosomes 3; plus strand). Cytogenetic location: 10q25.2.
Variant type: single nucleotide variant.
Coding change: c.3376G>T on transcript NM_005445.4 (MANE Select); coding-DNA position 3376, G replaced by T.
Protein change: p.Ala1126Ser; replaces alanine 1126 with serine.
Molecular consequence: missense variant.
Genome position (GRCh38, 1-based): chr10:110,602,903, G>T. VCF-style: chr10-110602903-G-T. GRCh37 (hg19) VCF-style: chr10-112362661-G-T.
Other names: short protein forms A1126S.
Identifiers: ClinVar variation 3640294 (VCV003640294.2).